The following is an entry in ClinVar:

NM_030777.4(SLC2A10):c.1446C>A (p.Tyr482Ter)

Gene: SLC2A10 (solute carrier family 2 member 10; plus strand). Cytogenetic location: 20q13.12.
Variant type: single nucleotide variant.
Coding change: c.1446C>A on transcript NM_030777.4 (MANE Select); coding-DNA position 1446, C replaced by A.
Protein change: p.Tyr482Ter; replaces tyrosine 482 with a stop codon.
Molecular consequence: nonsense.
Genome position (GRCh38, 1-based): chr20:46,729,387, C>A. VCF-style: chr20-46729387-C-A. GRCh37 (hg19) VCF-style: chr20-45358026-C-A.
Other names: short protein forms Y482*.
Identifiers: ClinVar variation 3725150 (VCV003725150.2).
Genomic context (GRCh38, chr20:46,729,387, plus strand): 5'-CTACACTCCCGCCCTCCTGTTTCCAGGCACCATCGGCTTGTCCTGGACCTTCCTGCTCTA[C>A]GGACTGACCGCTGTCCTCGGCCTGGGCTTCATCTATTTATTTGTTCCTGAAACAAAAGGC-3'

ClinVar aggregate classification (germline): Pathogenic (1 of 4 stars; one submission).

Conditions:
Arterial tortuosity syndrome (ATORS). Identifiers: Orphanet 3342, MedGen C1859726, MONDO:0008818, OMIM 208050.

Submission:

Labcorp Genetics (formerly Invitae), Labcorp
Classification: Pathogenic for Arterial tortuosity syndrome. Last evaluated: 2024-11-13. Review status: criteria provided, single submitter. Criteria: Invitae Variant Classification Sherloc (09022015). Collection method: clinical testing. Allele origin: germline.
Comment: This sequence change creates a premature translational stop signal (p.Tyr482*) in the SLC2A10 gene. It is expected to result in an absent or disrupted protein product. Loss-of-function variants in SLC2A10 are known to be pathogenic (PMID: 17935213, 22488877, 23494979). This variant is not present in population databases (gnomAD no frequency). This variant has not been reported in the literature in individuals affected with SLC2A10-related conditions. For these reasons, this variant has been classified as Pathogenic.

Literature cited by the submitters: PubMed 17935213; PubMed 22488877; PubMed 23494979.